The following is an entry in ClinVar:

NM_018290.4(PGM2):c.677A>G (p.Asn226Ser)

Gene: PGM2 (phosphoglucomutase 2; plus strand). Cytogenetic location: 4p14.
Variant type: single nucleotide variant.
Coding change: c.677A>G on transcript NM_018290.4 (MANE Select); coding-DNA position 677, A replaced by G.
Protein change: p.Asn226Ser; replaces asparagine 226 with serine.
Molecular consequence: missense variant.
Genome position (GRCh38, 1-based): chr4:37,840,217, A>G. VCF-style: chr4-37840217-A-G. GRCh37 (hg19) VCF-style: chr4-37841839-A-G.
Other names: short protein forms N226S.
Identifiers: ClinVar variation 2654720 (VCV002654720.24), dbSNP rs749315628, ClinGen allele CA2886818.

ClinVar aggregate classification (germline): Likely benign (1 of 4 stars; one submission).

Allele frequency attached by ClinVar (database versions not stated): gnomAD exomes below 0.00001; ExAC 0.00001; gnomAD 0.00003.
gnomAD v4.1: 8 of 1,612,842 alleles (0.0005%); highest among the groups gnomAD compares: East Asian, 0.0089%; no homozygotes.

Submission:

CeGaT Center for Human Genetics Tuebingen
Classification: Likely benign. Last evaluated: 2022-11-01. Review status: criteria provided, single submitter. Criteria: CeGaT Center For Human Genetics Tuebingen Variant Classification Criteria Version 2. Collection method: clinical testing. Allele origin: germline. Affected: yes. Observed: 1 variant allele.
Comment: PGM2: BP4